The following is an entry in ClinVar:

NM_138694.4(PKHD1):c.5994_5998del (p.Gly1999fs)

Gene: PKHD1 (PKHD1 ciliary IPT domain containing fibrocystin/polyductin; minus strand). Cytogenetic location: 6p12.2.
Variant type: Deletion.
Coding change: c.5994_5998del on transcript NM_138694.4 (MANE Select); coding-DNA positions 5994 to 5998, 5 bases deleted (TGGAT; older notation c.5994_5998delTGGAT).
Protein change: p.Gly1999fs; shifts the reading frame from glycine 1999.
Molecular consequence: frameshift variant.
Genome position (GRCh38, 1-based): chr6:51,934,233-51,934,237, ATCCA deleted on the plus strand (TGGAT on the coding strand, the reverse complement: PKHD1 is on the minus strand); deleting any 5 consecutive bases within chr6:51,934,233-51,934,241 gives the same sequence; the c. name uses the placement nearest the transcript's 3' end. VCF-style (leftmost placement, unchanged base first): chr6-51934232-GATCCA-G. GRCh37 (hg19) VCF-style: chr6-51799030-GATCCA-G.
Other names: c.5994_5998del, p.Gly1999fs (NM_170724.3); short protein forms G1999fs.
Identifiers: ClinVar variation 2699820 (VCV002699820.3), dbSNP rs2537013459, ClinGen allele CA2697553477.

ClinVar aggregate classification (germline): Pathogenic (1 of 4 stars; one submission).

Conditions:
Autosomal recessive polycystic kidney disease (ARPKD). Also called: AR polycystic kidney disease. Identifiers: Orphanet 731, Orphanet 8378, MedGen C0085548, MeSH D017044, MONDO:0009889.

Submission:

Labcorp Genetics (formerly Invitae), Labcorp
Classification: Pathogenic for Autosomal recessive polycystic kidney disease. Last evaluated: 2023-06-09. Review status: criteria provided, single submitter. Criteria: Invitae Variant Classification Sherloc (09022015). Collection method: clinical testing. Allele origin: germline.
Comment: This sequence change creates a premature translational stop signal (p.Gly1999Argfs*52) in the PKHD1 gene. It is expected to result in an absent or disrupted protein product. Loss-of-function variants in PKHD1 are known to be pathogenic (PMID: 19940839). This variant is not present in population databases (gnomAD no frequency). This variant has not been reported in the literature in individuals affected with PKHD1-related conditions. For these reasons, this variant has been classified as Pathogenic.

Literature cited by the submitters: PubMed 19940839.